The following is an entry in ClinVar:

NM_005866.4(SIGMAR1):c.244G>A (p.Val82Met)

Gene: SIGMAR1 (sigma non-opioid intracellular receptor 1; minus strand). Cytogenetic location: 9p13.3.
Variant type: single nucleotide variant.
Coding change: c.244G>A on transcript NM_005866.4 (MANE Select); coding-DNA position 244, G replaced by A.
Protein change: p.Val82Met; replaces valine 82 with methionine.
Molecular consequence: missense variant. On other transcripts: 5 prime UTR variant (1).
Genome position (GRCh38, 1-based): chr9:34,637,328, C>T on the plus strand (G>A on the coding strand, the complement: SIGMAR1 is on the minus strand). VCF-style: chr9-34637328-C-T. GRCh37 (hg19) VCF-style: chr9-34637325-C-T.
Other names: c.244G>A, p.Val82Met (NM_001282205.2, NM_001282208.2, NM_001282209.2 and 1 more transcripts); c.-10G>A (NM_001282206.2); c.184G>A, p.Val62Met (NM_001282207.2); short protein forms V62M, V82M.
Identifiers: ClinVar variation 1791465 (VCV001791465.2), dbSNP rs1398178063, ClinGen allele CA373274984.

ClinVar aggregate classification (germline): Uncertain significance (1 of 4 stars; one submission).

Conditions:
Inborn genetic diseases. Identifiers: MedGen C0950123, MeSH D030342.

Submission:

Ambry Genetics
Classification: Uncertain significance for Inborn genetic diseases. Last evaluated: 2021-01-15. Review status: criteria provided, single submitter. Criteria: Ambry Variant Classification Scheme 2023. Collection method: clinical testing. Allele origin: germline.
Comment: The p.V82M variant (also known as c.244G>A), located in coding exon 2 of the SIGMAR1 gene, results from a G to A substitution at nucleotide position 244. The valine at codon 82 is replaced by methionine, an amino acid with highly similar properties. This amino acid position is highly conserved in available vertebrate species. In addition, the in silico prediction for this alteration is inconclusive. Since supporting evidence is limited at this time, the clinical significance of this alteration remains unclear.